The following is an entry in ClinVar:

NM_003738.5(PTCH2):c.1457del (p.Pro486fs)

Gene: PTCH2 (patched 2; minus strand). Cytogenetic location: 1p34.1.
Variant type: Deletion.
Coding change: c.1457del on transcript NM_003738.5 (MANE Select); coding-DNA position 1457, one base deleted (C; older notation c.1457delC).
Protein change: p.Pro486fs; shifts the reading frame from proline 486.
Molecular consequence: frameshift variant.
Genome position (GRCh38, 1-based): chr1:44,828,989, G deleted on the plus strand (C on the coding strand, the reverse complement: PTCH2 is on the minus strand); the first of 4 consecutive G bases (chr1:44,828,989-44,828,992); deleting any one gives the same sequence. VCF-style (leftmost placement, unchanged base first): chr1-44828988-AG-A. GRCh37 (hg19) VCF-style: chr1-45294660-AG-A.
Other names: c.1457del, p.Pro486fs (NM_001166292.2); short protein forms P486fs.
Identifiers: ClinVar variation 4730067 (VCV004730067.1).

ClinVar aggregate classification (germline): Uncertain significance (1 of 4 stars; one submission).

Conditions:
Gorlin syndrome. Also called: Nevoid Basal Cell Carcinoma Syndrome; Basal cell nevus syndrome. Identifiers: Orphanet 377, MedGen C0004779, MONDO:0007187.

Submission:

Labcorp Genetics (formerly Invitae), Labcorp
Classification: Uncertain significance for Gorlin syndrome. Last evaluated: 2025-10-28. Review status: criteria provided, single submitter. Criteria: Invitae Variant Classification Sherloc (09022015). Collection method: clinical testing. Allele origin: germline.
Comment: This sequence change creates a premature translational stop signal (p.Pro486Leufs*48) in the PTCH2 gene. It is expected to result in an absent or disrupted protein product. However, the current clinical and genetic evidence is not sufficient to establish whether loss-of-function variants in PTCH2 cause disease. This variant is not present in population databases (gnomAD no frequency). This variant has not been reported in the literature in individuals affected with PTCH2-related conditions. In summary, the available evidence is currently insufficient to determine the role of this variant in disease. Therefore, it has been classified as a Variant of Uncertain Significance.